The following is an entry in ClinVar:

ClinVar aggregate classification (germline): Uncertain significance (1 of 4 stars; one submission).

gnomAD v4.1: 3 of 1,614,134 alleles (0.00019%); highest among the groups gnomAD compares: Admixed American, 0.005%; no homozygotes.

Submission:

Labcorp Genetics (formerly Invitae), Labcorp
Classification: Uncertain significance. Last evaluated: 2024-02-24. Review status: criteria provided, single submitter. Criteria: Invitae Variant Classification Sherloc (09022015). Collection method: clinical testing. Allele origin: germline.
Comment: This sequence change replaces alanine, which is neutral and non-polar, with valine, which is neutral and non-polar, at codon 188 of the ATF6 protein (p.Ala188Val). This variant is present in population databases (no rsID available, gnomAD 0.009%). This variant has not been reported in the literature in individuals affected with ATF6-related conditions. ClinVar contains an entry for this variant (Variation ID: 1372303). Advanced modeling of protein sequence and biophysical properties (such as structural, functional, and spatial information, amino acid conservation, physicochemical variation, residue mobility, and thermodynamic stability) performed at Invitae indicates that this missense variant is not expected to disrupt ATF6 protein function with a negative predictive value of 80%. In summary, the available evidence is currently insufficient to determine the role of this variant in disease. Therefore, it has been classified as a Variant of Uncertain Significance.

NM_007348.4(ATF6):c.563C>T (p.Ala188Val)

Gene: ATF6 (activating transcription factor 6; plus strand). Cytogenetic location: 1q23.3.
Variant type: single nucleotide variant.
Coding change: c.563C>T on transcript NM_007348.4 (MANE Select); coding-DNA position 563, C replaced by T.
Protein change: p.Ala188Val; replaces alanine 188 with valine.
Molecular consequence: missense variant.
Genome position (GRCh38, 1-based): chr1:161,792,202, C>T. VCF-style: chr1-161792202-C-T. GRCh37 (hg19) VCF-style: chr1-161761992-C-T.
Other names: short protein forms A188V.
Identifiers: ClinVar variation 1372303 (VCV001372303.4), dbSNP rs376187541, ClinGen allele CA343386492.
Genomic context (GRCh38, chr1:161,792,202, plus strand): 5'-AGAAAAAAATTCAGGTGAATTCAAAACCTTCAATTCAGCCCAAGCCTTTATTGCTTCCAG[C>T]AGCACCCAAGACTCAAACAAACTCCAGTGTTCCAGCAAAAACCATCATTATTCAGACAGT-3'
Protein context (NP_031374.2, residues 178-198): SIQPKPLLLP[Ala188Val]APKTQTNSSV